The following is an entry in ClinVar:

ClinVar aggregate classification (germline): Uncertain significance (1 of 4 stars; one submission).

gnomAD v4.1: 1 of 1,614,108 alleles (0.000062%); highest among the groups gnomAD compares: Non-Finnish European, 0.000085%; no homozygotes.

Submission:

ARUP Laboratories, Molecular Genetics and Genomics, ARUP Laboratories
Classification: Uncertain significance. Last evaluated: 2025-03-07. Review status: criteria provided, single submitter. Criteria: ARUP Molecular Germline Variant Investigation Process 2024. Collection method: clinical testing. Allele origin: germline.
Comment: The TNFRSF13B c.262A>G; p.Ser88Gly variant (rs2087568984), to our knowledge, is not reported in the medical literature or gene specific databases. This variant is also absent from the Genome Aggregation Database (v2.1.1), indicating it is not a common polymorphism. Computational analyses predict that this variant is deleterious (REVEL: 0.702). Due to limited information, the clinical significance of this variant is uncertain at this time.

NM_012452.3(TNFRSF13B):c.262A>G (p.Ser88Gly)

Gene: TNFRSF13B (TNF receptor superfamily member 13B; minus strand). Cytogenetic location: 17p11.2.
Variant type: single nucleotide variant.
Coding change: c.262A>G on transcript NM_012452.3 (MANE Select); coding-DNA position 262, A replaced by G.
Protein change: p.Ser88Gly; replaces serine 88 with glycine.
Molecular consequence: missense variant.
Genome position (GRCh38, 1-based): chr17:16,948,921, T>C on the plus strand (A>G on the coding strand, the complement: TNFRSF13B is on the minus strand). VCF-style: chr17-16948921-T-C. GRCh37 (hg19) VCF-style: chr17-16852235-T-C.
Other names: short protein forms S88G.
Identifiers: ClinVar variation 4685668 (VCV004685668.1).